The following is an entry in ClinVar:

NM_000812.4(GABRB1):c.1399G>T (p.Val467Phe)

Gene: GABRB1 (gamma-aminobutyric acid type A receptor subunit beta1; plus strand). Cytogenetic location: 4p12.
Variant type: single nucleotide variant.
Coding change: c.1399G>T on transcript NM_000812.4 (MANE Select); coding-DNA position 1399, G replaced by T.
Protein change: p.Val467Phe; replaces valine 467 with phenylalanine.
Molecular consequence: missense variant.
Genome position (GRCh38, 1-based): chr4:47,425,992, G>T. VCF-style: chr4-47425992-G-T. GRCh37 (hg19) VCF-style: chr4-47428009-G-T.
Other names: short protein forms V467F.
Identifiers: ClinVar variation 3236263 (VCV003236263.1), dbSNP rs1729280438, ClinGen allele CA356767944.
Genomic context (GRCh38, chr4:47,425,992, plus strand): 5'-AATTCCATAGACAAGTGGTCCCGAATGTTTTTCCCCATCACCTTTTCTCTTTTTAATGTC[G>T]TCTATTGGCTTTACTATGTACACTGAGGTCTGTTCTAATGGTTCCATTTAGACTACTTTC-3'
Protein context (NP_000803.2, residues 457-474): FPITFSLFNV[Val467Phe]YWLYYVH

ClinVar aggregate classification (germline): Uncertain significance (1 of 4 stars; one submission).

Conditions:
Developmental and epileptic encephalopathy, 45 (DEE45). Also called: Epileptic encephalopathy, early infantile, 45. Identifiers: MedGen C4310691, MONDO:0014942, OMIM 617153.

Submission:

MVZ Medizinische Genetik Mainz
Classification: Uncertain significance for Developmental and epileptic encephalopathy, 45. Last evaluated: 2023-08-25. Review status: criteria provided, single submitter. Criteria: UK Practice Guidelines For Variant Classification V4 01 2020. Collection method: clinical testing. Allele origin: germline. Inheritance: Autosomal dominant inheritance. Affected: yes. Observed: 1 variant allele.
Comment: ACMG Criteria: PS2_SUP,PM2_SUP,PP3